The following is an entry in ClinVar:

ClinVar aggregate classification (germline): Uncertain significance (1 of 4 stars; one submission).

Conditions:
Hereditary breast ovarian cancer syndrome. Also called: Hereditary breast and ovarian cancer syndrome (HBOC); Hereditary breast and/or ovarian cancer syndrome; Hereditary breast and ovarian cancer syndrome; Breast and ovarian cancer; Hereditary breast and ovarian cancer; BRCA1- and BRCA2-Associated Hereditary Breast and Ovarian Cancer. Identifiers: Orphanet 145, MedGen C0677776, MeSH D061325, MONDO:0003582. Disease mechanism: loss of function.

Submission:

Labcorp Genetics (formerly Invitae), Labcorp
Classification: Uncertain significance for Hereditary breast ovarian cancer syndrome. Last evaluated: 2024-04-16. Review status: criteria provided, single submitter. Criteria: Invitae Variant Classification Sherloc (09022015). Collection method: clinical testing. Allele origin: germline.
Comment: This sequence change replaces valine, which is neutral and non-polar, with alanine, which is neutral and non-polar, at codon 1229 of the BRCA2 protein (p.Val1229Ala). This variant is not present in population databases (gnomAD no frequency). This variant has not been reported in the literature in individuals affected with BRCA2-related conditions. Advanced modeling of protein sequence and biophysical properties (such as structural, functional, and spatial information, amino acid conservation, physicochemical variation, residue mobility, and thermodynamic stability) performed at Invitae indicates that this missense variant is not expected to disrupt BRCA2 protein function with a negative predictive value of 95%. In summary, the available evidence is currently insufficient to determine the role of this variant in disease. Therefore, it has been classified as a Variant of Uncertain Significance.

NM_000059.4(BRCA2):c.3686T>C (p.Val1229Ala)

Gene: BRCA2 (BRCA2 DNA repair associated; plus strand). Cytogenetic location: 13q13.1.
Variant type: single nucleotide variant.
Coding change: c.3686T>C on transcript NM_000059.4 (MANE Select); coding-DNA position 3686, T replaced by C.
Protein change: p.Val1229Ala; replaces valine 1229 with alanine.
Molecular consequence: missense variant. On other transcripts: non-coding transcript variant (1), intron variant (2).
Genome position (GRCh38, 1-based): chr13:32,338,041, T>C. VCF-style: chr13-32338041-T-C. GRCh37 (hg19) VCF-style: chr13-32912178-T-C.
Other names: c.3686T>C, p.Val1229Ala (NM_001406719.1, NM_001406720.1); c.1909+4654T>C (NM_001406721.1); c.425-6517T>C (NM_001406722.1); short protein forms V1229A.
Identifiers: ClinVar variation 2760595 (VCV002760595.3), dbSNP rs2137499015, ClinGen allele CA387778022.
Genomic context (GRCh38, chr13:32,338,041, plus strand): 5'-CAGATGAAAATGAAGTGGGGTTTAGGGGCTTTTATTCTGCTCATGGCACAAAACTGAATG[T>C]TTCTACTGAAGCTCTGCAAAAAGCTGTGAAACTGTTTAGTGATATTGAGAATATTAGTGA-3'
Protein context (NP_000050.3, residues 1219-1239): FYSAHGTKLN[Val1229Ala]STEALQKAVK